The following is an entry in ClinVar:

NM_014244.5(ADAMTS2):c.69delinsCTTATACACATC (p.Pro24fs)

Gene: ADAMTS2 (ADAM metallopeptidase with thrombospondin type 1 motif 2; minus strand). Cytogenetic location: 5q35.3.
Variant type: Indel.
Coding change: c.69delinsCTTATACACATC on transcript NM_014244.5 (MANE Select); coding-DNA position 69, G replaced by CTTATACACATC.
Protein change: p.Pro24fs; shifts the reading frame from proline 24.
Molecular consequence: frameshift variant.
Genome position (GRCh38, 1-based): chr5:179,345,260, C replaced by GATGTGTATAAG on the plus strand (G replaced by CTTATACACATC on the coding strand, the reverse complement: ADAMTS2 is on the minus strand). VCF-style: chr5-179345260-C-GATGTGTATAAG. GRCh37 (hg19) VCF-style: chr5-178772261-C-GATGTGTATAAG.
Other names: c.69delinsCTTATACACATC, p.Pro24fs (NM_021599.4); short protein forms P24fs.
Identifiers: ClinVar variation 5016372 (VCV005016372.1).

ClinVar aggregate classification (germline): Pathogenic (1 of 4 stars; one submission).

Conditions:
Ehlers-Danlos syndrome, dermatosparaxis type. Also called: EDS VIIC; Dermatosparaxis; Ehlers-Danlos syndrome, type VII, autosomal recessive. Identifiers: Orphanet 1901, MedGen C2700425, MONDO:0009161, OMIM 225410.

Submission:

Myriad Genetics, Inc.
Classification: Pathogenic for Ehlers-Danlos syndrome, dermatosparaxis type. Last evaluated: 2024-05-14. Review status: criteria provided, single submitter. Criteria: Myriad Autosomal Dominant, Autosomal Recessive and X-Linked Classification Criteria (2023). Collection method: clinical testing. Allele origin: unknown.
Comment: NM_014244.4(ADAMTS2):c.69del1ins12(P24Lfs*145) is expected to be pathogenic in the context of Ehlers-Danlos syndrome, ADAMTS2-related. This variant is predicted to lead to an abnormal or absent protein product due to the creation of a premature termination codon in ADAMTS2, a gene where loss-of-function variants are known to be pathogenic. Please note: this variant was assessed in the context of healthy population screening.